The following is an entry in ClinVar:

NM_002591.4(PCK1):c.1307G>A (p.Arg436His)

Gene: PCK1 (phosphoenolpyruvate carboxykinase 1; plus strand). Cytogenetic location: 20q13.31.
Variant type: single nucleotide variant.
Coding change: c.1307G>A on transcript NM_002591.4 (MANE Select); coding-DNA position 1307, G replaced by A.
Protein change: p.Arg436His; replaces arginine 436 with histidine.
Molecular consequence: missense variant.
Genome position (GRCh38, 1-based): chr20:57,564,602, G>A. VCF-style: chr20-57564602-G-A. GRCh37 (hg19) VCF-style: chr20-56139658-G-A.
Other names: short protein forms R436H.
Identifiers: ClinVar variation 2043973 (VCV002043973.4), dbSNP rs112632361, ClinGen allele CA9922341.

ClinVar aggregate classification (germline): Uncertain significance (1 of 4 stars; one submission).

Allele frequency attached by ClinVar (database versions not stated): ExAC 0.00003; gnomAD 0.00007; ESP Exome Variant Server 0.00008; gnomAD exomes 0.00012; 1000 Genomes Project 30x 0.00016; TOPMed 0.00003.

Submission:

Labcorp Genetics (formerly Invitae), Labcorp
Classification: Uncertain significance. Last evaluated: 2022-02-18. Review status: criteria provided, single submitter. Criteria: Invitae Variant Classification Sherloc (09022015). Collection method: clinical testing. Allele origin: germline.
Comment: In summary, the available evidence is currently insufficient to determine the role of this variant in disease. Therefore, it has been classified as a Variant of Uncertain Significance. Algorithms developed to predict the effect of missense changes on protein structure and function (SIFT, PolyPhen-2, Align-GVGD) all suggest that this variant is likely to be disruptive. This variant has not been reported in the literature in individuals affected with PCK1-related conditions. This variant is present in population databases (rs112632361, gnomAD 0.005%). This sequence change replaces arginine, which is basic and polar, with histidine, which is basic and polar, at codon 436 of the PCK1 protein (p.Arg436His).